The following is an entry in ClinVar:

ClinVar aggregate classification (germline): Uncertain significance (1 of 4 stars; one submission).

Conditions:
Autism spectrum disorder - epilepsy - arthrogryposis syndrome (AMRS). Identifiers: Orphanet 370943, MedGen C3809910, MONDO:0014248, OMIM 615553.

Allele frequency attached by ClinVar (database versions not stated): gnomAD exomes below 0.00001.
gnomAD v4.1: 2 of 1,614,006 alleles (0.00012%); highest among the groups gnomAD compares: Admixed American, 0.0017%; no homozygotes.

Submission:

Labcorp Genetics (formerly Invitae), Labcorp
Classification: Uncertain significance for Autism spectrum disorder - epilepsy - arthrogryposis syndrome. Last evaluated: 2024-10-21. Review status: criteria provided, single submitter. Criteria: Invitae Variant Classification Sherloc (09022015). Collection method: clinical testing. Allele origin: germline.
Comment: This sequence change replaces threonine, which is neutral and polar, with alanine, which is neutral and non-polar, at codon 17 of the SLC35A3 protein (p.Thr17Ala). This variant is present in population databases (no rsID available, gnomAD 0.003%). This variant has not been reported in the literature in individuals affected with SLC35A3-related conditions. ClinVar contains an entry for this variant (Variation ID: 1519481). Invitae Evidence Modeling of protein sequence and biophysical properties (such as structural, functional, and spatial information, amino acid conservation, physicochemical variation, residue mobility, and thermodynamic stability) has been performed for this missense variant. However, the output from this modeling did not meet the statistical confidence thresholds required to predict the impact of this variant on SLC35A3 protein function. In summary, the available evidence is currently insufficient to determine the role of this variant in disease. Therefore, it has been classified as a Variant of Uncertain Significance.

NM_012243.3(SLC35A3):c.49A>G (p.Thr17Ala)

Gene: SLC35A3 (solute carrier family 35 member A3; plus strand). Cytogenetic location: 1p21.2.
Variant type: single nucleotide variant.
Coding change: c.49A>G on transcript NM_012243.3 (MANE Select); coding-DNA position 49, A replaced by G.
Protein change: p.Thr17Ala; replaces threonine 17 with alanine.
Molecular consequence: missense variant.
Genome position (GRCh38, 1-based): chr1:99,993,603, A>G. VCF-style: chr1-99993603-A-G. GRCh37 (hg19) VCF-style: chr1-100459159-A-G.
Other names: c.49A>G, p.Thr17Ala (NM_001271684.2); c.175A>G, p.Thr59Ala (NM_001271685.2); short protein forms T17A, T59A.
Identifiers: ClinVar variation 1519481 (VCV001519481.8), dbSNP rs1334259370, ClinGen allele CA341323631.